The following is an entry in ClinVar:

NM_194277.3(FRMD7):c.1403G>A (p.Arg468His)

Gene: FRMD7 (FERM domain containing 7; minus strand). Cytogenetic location: Xq26.2.
Variant type: single nucleotide variant.
Coding change: c.1403G>A on transcript NM_194277.3 (MANE Select); coding-DNA position 1403, G replaced by A.
Protein change: p.Arg468His; replaces arginine 468 with histidine.
Molecular consequence: missense variant.
Genome position (GRCh38, 1-based): chrX:132,078,614, C>T on the plus strand (G>A on the coding strand, the complement: FRMD7 is on the minus strand). VCF-style: chrX-132078614-C-T. GRCh37 (hg19) VCF-style: chrX-131212642-C-T.
Other names: c.1358G>A, p.Arg453His (NM_001306193.2); short protein forms R468H, R453H.
Identifiers: ClinVar variation 263087 (VCV000263087.18), dbSNP rs6637934, ClinGen allele CA10518868.
Genomic context (GRCh38, chrX:132,078,614, plus strand): 5'-ACCTGCTGACCTGTACAAGGAATATAGGGCACATCCGTGTAAGTTAGCTGCTTTGCTGGA[C>T]GCACTTTGCTTGTGAGGCCAGAATATATGCTCATGTGATTACCAGAAAACTTACAGCTTG-3'
Protein context (NP_919253.1, residues 458-478): SIYSGLTSKV[Arg468His]PAKQLTYTDV

ClinVar aggregate classification (germline): Benign. Review status: criteria provided, multiple submitters, no conflicts (2 of 4 stars). 6 submissions from 6 submitters: Benign (6). Last evaluated 2026-02-03.

Conditions:
Nystagmus 1, congenital, X-linked. Also called: NYSTAGMUS, INFANTILE PERIODIC ALTERNATING, X-LINKED; FRMD7-Related Infantile Nystagmus; NYSTAGMUS 1, INFANTILE, X-LINKED; NYSTAGMUS, CONGENITAL MOTOR, 1; NYSTAGMUS, INFANTILE IDIOPATHIC. Identifiers: MedGen C1839580, MONDO:0010693, OMIM 310700.

Allele frequency attached by ClinVar (database versions not stated): gnomAD exomes 0.05615 and 0.05770; gnomAD 0.05794 and 0.05931; TOPMed 0.05830; ExAC 0.05890; ESP Exome Variant Server 0.06381; 1000 Genomes Project 0.07073; 1000 Genomes Project 30x 0.07305.
gnomAD v4.1: 70,220 of 1,208,945 alleles (5.8%); highest among the groups gnomAD compares: Middle Eastern, 7.9%; 1,507 homozygotes.

Submissions (6):

Labcorp Genetics (formerly Invitae), Labcorp
Classification: Benign. Last evaluated: 2026-02-03. Review status: criteria provided, single submitter. Criteria: Invitae Variant Classification Sherloc (09022015). Collection method: clinical testing. Allele origin: germline.

Blueprint Genetics
Classification: Benign. Last evaluated: 2024-11-28. Review status: criteria provided, single submitter. Criteria: ACMG Guidelines, 2015. Collection method: clinical testing. Allele origin: germline.

Illumina Laboratory Services, Illumina
Classification: Benign for Nystagmus 1, congenital, X-linked. Last evaluated: 2018-01-13. Review status: criteria provided, single submitter. Criteria: ICSL Variant Classification Criteria 13 December 2019. Collection method: clinical testing. Allele origin: germline.
Comment: This variant was observed in the ICSL laboratory as part of a predisposition screen in an ostensibly healthy population. It had not been previously curated by ICSL or reported in the Human Gene Mutation Database (HGMD: prior to June 1st, 2018), and was therefore a candidate for classification through an automated scoring system. Utilizing variant allele frequency, disease prevalence and penetrance estimates, and inheritance mode, an automated score was calculated to assess if this variant is too frequent to cause the disease. Based on the score and internal cut-off values, a variant classified as benign is not then subjected to further curation. The score for this variant resulted in a classification of benign for this disease.

GeneDx
Classification: Benign. Last evaluated: 2015-03-03. Review status: criteria provided, single submitter. Criteria: GeneDx Variant Classification Process June 2021. Collection method: clinical testing. Allele origin: germline. Affected: yes.

Breakthrough Genomics
Classification: Benign. Review status: criteria provided, single submitter. Criteria: ACMG Guidelines, 2015. Collection method: not provided. Allele origin: germline. Inheritance: X-linked inheritance. Affected: yes.

PreventionGenetics, part of Exact Sciences
Classification: Benign. Review status: criteria provided, single submitter. Criteria: ACMG Guidelines, 2015. Collection method: clinical testing. Allele origin: germline.